The following is an entry in ClinVar:

NM_020693.4(DSCAML1):c.3640C>G (p.Pro1214Ala)

Gene: DSCAML1 (DS cell adhesion molecule like 1; minus strand). Cytogenetic location: 11q23.3.
Variant type: single nucleotide variant.
Coding change: c.3640C>G on transcript NM_020693.4 (MANE Select); coding-DNA position 3640, C replaced by G.
Protein change: p.Pro1214Ala; replaces proline 1214 with alanine.
Molecular consequence: missense variant.
Genome position (GRCh38, 1-based): chr11:117,450,617, G>C on the plus strand (C>G on the coding strand, the complement: DSCAML1 is on the minus strand). VCF-style: chr11-117450617-G-C. GRCh37 (hg19) VCF-style: chr11-117321333-G-C.
Other names: short protein forms P1214A.
Identifiers: ClinVar variation 2303641 (VCV002303641.3), dbSNP rs759229854, ClinGen allele CA6296636.

ClinVar aggregate classification (germline): Uncertain significance. Review status: criteria provided, multiple submitters, no conflicts (2 of 4 stars). 2 submissions from 2 submitters: Uncertain significance (2). Last evaluated 2025-03-10.

Allele frequency attached by ClinVar (database versions not stated): TOPMed 0.00001; gnomAD 0.00002; ExAC 0.00004.
gnomAD v4.1: 12 of 1,614,098 alleles (0.00074%); highest among the groups gnomAD compares: Admixed American, 0.0033%; no homozygotes.

Submissions (2):

Labcorp Genetics (formerly Invitae), Labcorp
Classification: Uncertain significance. Last evaluated: 2025-03-10. Review status: criteria provided, single submitter. Criteria: Invitae Variant Classification Sherloc (09022015). Collection method: clinical testing. Allele origin: germline.
Comment: This sequence change replaces proline, which is neutral and non-polar, with alanine, which is neutral and non-polar, at codon 1274 of the DSCAML1 protein (p.Pro1274Ala). This variant is present in population databases (rs759229854, gnomAD 0.003%). This variant has not been reported in the literature in individuals affected with DSCAML1-related conditions. ClinVar contains an entry for this variant (Variation ID: 2303641). An algorithm developed to predict the effect of missense changes on protein structure and function (PolyPhen-2) suggests that this variant is likely to be disruptive. In summary, the available evidence is currently insufficient to determine the role of this variant in disease. Therefore, it has been classified as a Variant of Uncertain Significance.

Ambry Genetics
Classification: Uncertain significance. Last evaluated: 2022-07-26. Review status: criteria provided, single submitter. Criteria: Ambry Variant Classification Scheme 2023. Collection method: clinical testing. Allele origin: germline.